The following is an entry in ClinVar:

NM_002087.4(GRN):c.379C>G (p.Pro127Ala)

Gene: GRN (granulin precursor; plus strand). Cytogenetic location: 17q21.31.
Variant type: single nucleotide variant.
Coding change: c.379C>G on transcript NM_002087.4 (MANE Select); coding-DNA position 379, C replaced by G.
Protein change: p.Pro127Ala; replaces proline 127 with alanine.
Molecular consequence: missense variant.
Genome position (GRCh38, 1-based): chr17:44,350,257, C>G. VCF-style: chr17-44350257-C-G. GRCh37 (hg19) VCF-style: chr17-42427625-C-G.
Other names: c.379C>G (NM_002087.3); short protein forms P127A.
Identifiers: ClinVar variation 1984984 (VCV001984984.6), dbSNP rs150003993, ClinGen allele CA8601868.

ClinVar aggregate classification (germline): Uncertain significance. Review status: criteria provided, multiple submitters, no conflicts (2 of 4 stars). 3 submissions from 3 submitters: Uncertain significance (3). Last evaluated 2026-08-19.

Conditions:
GRN-related disorder. Also called: GRN-related disorders; GRN-related condition.
Neuronal ceroid lipofuscinosis 11. Also called: GRN-Related Neuronal Ceroid-Lipofuscinosis. Identifiers: Orphanet 314629, Orphanet 79262, MedGen C3539123, MONDO:0013866, OMIM 614706.
GRN-related frontotemporal lobar degeneration with Tdp43 inclusions (FTD2). Also called: DEMENTIA, HEREDITARY DYSPHASIC DISINHIBITION; FRONTOTEMPORAL LOBAR DEGENERATION WITH UBIQUITIN-POSITIVE INCLUSIONS; FTLD-TDP, GRN-RELATED; FRONTOTEMPORAL DEMENTIA WITH TDP43 INCLUSIONS, GRN-RELATED; GRN Frontotemporal Dementia. Identifiers: Orphanet 100070, Orphanet 282, MedGen C1843792, MONDO:0011842, OMIM 607485. Disease mechanism: loss of function.

Allele frequency attached by ClinVar (database versions not stated): ExAC 0.00002; TOPMed 0.00003; ESP Exome Variant Server 0.00015; 1000 Genomes Project 30x 0.00016; 1000 Genomes Project 0.00020.

Submissions (3):

PreventionGenetics, part of Exact Sciences
Classification: Uncertain significance for GRN-related condition. Last evaluated: 2026-08-19. Review status: criteria provided, single submitter. Criteria: ACMG Guidelines, 2015. Collection method: clinical testing. Allele origin: germline.
Comment: The GRN c.379C>G variant is predicted to result in the amino acid substitution p.Pro127Ala. To our knowledge, this variant has not been reported in the literature. This variant is reported in 0.012% of alleles in individuals of African descent in gnomAD. At this time, the clinical significance of this variant is uncertain due to the absence of conclusive functional and genetic evidence.

Labcorp Genetics (formerly Invitae), Labcorp
Classification: Uncertain significance for Neuronal ceroid lipofuscinosis 11; GRN-related frontotemporal lobar degeneration with Tdp43 inclusions. Last evaluated: 2025-05-04. Review status: criteria provided, single submitter. Criteria: Invitae Variant Classification Sherloc (09022015). Collection method: clinical testing. Allele origin: germline.
Comment: This sequence change replaces proline, which is neutral and non-polar, with alanine, which is neutral and non-polar, at codon 127 of the GRN protein (p.Pro127Ala). This variant is present in population databases (rs150003993, gnomAD 0.009%). This variant has not been reported in the literature in individuals affected with GRN-related conditions. ClinVar contains an entry for this variant (Variation ID: 1984984). Invitae Evidence Modeling of protein sequence and biophysical properties (such as structural, functional, and spatial information, amino acid conservation, physicochemical variation, residue mobility, and thermodynamic stability) indicates that this missense variant is expected to disrupt GRN protein function with a positive predictive value of 80%. In summary, the available evidence is currently insufficient to determine the role of this variant in disease. Therefore, it has been classified as a Variant of Uncertain Significance.

Women's Health and Genetics/Laboratory Corporation of America, LabCorp
Classification: Uncertain significance. Last evaluated: 2024-05-23. Review status: criteria provided, single submitter. Criteria: LabCorp Variant Classification Summary - May 2015. Collection method: clinical testing. Allele origin: germline.
Comment: Variant summary: GRN c.379C>G (p.Pro127Ala) results in a non-conservative amino acid change located in the Granulin (IPR000118) of the encoded protein sequence. Four of five in-silico tools predict a damaging effect of the variant on protein function. The variant allele was found at a frequency of 4.4e-05 in 251480 control chromosomes. This frequency is not significantly higher than estimated for a pathogenic variant in GRN causing GRN-Related Disorders, allowing no conclusion about variant significance. To our knowledge, no occurrence of c.379C>G in individuals affected with GRN-Related Disorders and no experimental evidence demonstrating its impact on protein function have been reported. ClinVar contains an entry for this variant (Variation ID: 1984984). Based on the evidence outlined above, the variant was classified as uncertain significance.